The following is an entry in ClinVar:

NM_014244.5(ADAMTS2):c.90_91insTGTATAAGAGA (p.Pro31fs)

Gene: ADAMTS2 (ADAM metallopeptidase with thrombospondin type 1 motif 2; minus strand). Cytogenetic location: 5q35.3.
Variant type: Insertion.
Coding change: c.90_91insTGTATAAGAGA on transcript NM_014244.5 (MANE Select); coding-DNA positions 90 to 91, TGTATAAGAGA inserted.
Protein change: p.Pro31fs; shifts the reading frame from proline 31.
Molecular consequence: frameshift variant.
Genome position: GRCh38 VCF-style: chr5-179345238-G-GTCTCTTATACA. GRCh37 (hg19) VCF-style: chr5-178772239-G-GTCTCTTATACA.
Other names: c.90_91insTGTATAAGAGA, p.Pro31fs (NM_021599.4); short protein forms P31fs.
Identifiers: ClinVar variation 5010553 (VCV005010553.1).

ClinVar aggregate classification (germline): Pathogenic (1 of 4 stars; one submission).

Conditions:
Ehlers-Danlos syndrome, dermatosparaxis type. Also called: EDS VIIC; Dermatosparaxis; Ehlers-Danlos syndrome, type VII, autosomal recessive. Identifiers: Orphanet 1901, MedGen C2700425, MONDO:0009161, OMIM 225410.

Submission:

Myriad Genetics, Inc.
Classification: Pathogenic for Ehlers-Danlos syndrome, dermatosparaxis type. Last evaluated: 2024-05-14. Review status: criteria provided, single submitter. Criteria: Myriad Autosomal Dominant, Autosomal Recessive and X-Linked Classification Criteria (2023). Collection method: clinical testing. Allele origin: unknown.
Comment: NM_014244.4(ADAMTS2):c.90_91ins11(P31Cfs*138) is expected to be pathogenic in the context of Ehlers-Danlos syndrome, ADAMTS2-related. This variant is predicted to lead to an abnormal or absent protein product due to the creation of a premature termination codon in ADAMTS2, a gene where loss-of-function variants are known to be pathogenic. Please note: this variant was assessed in the context of healthy population screening.